The following is an entry in ClinVar:

ClinVar aggregate classification (germline): Uncertain significance (1 of 4 stars; one submission).

Conditions:
Primary dilated cardiomyopathy (DCM). Also called: Dilated Cardiomyopathy. Identifiers: Orphanet 217604, MedGen C0007193, MeSH D002311, MONDO:0005021, HP:0001644. Inheritance: Various modes of inheritance.

Allele frequency attached by ClinVar (database versions not stated): ExAC 0.00001; gnomAD 0.00001; gnomAD exomes 0.00001; TOPMed 0.00001.
gnomAD v4.1: 11 of 1,613,396 alleles (0.00068%); highest among the groups gnomAD compares: African/African-American, 0.0013%; no homozygotes.

Submission:

Labcorp Genetics (formerly Invitae), Labcorp
Classification: Uncertain significance for Primary dilated cardiomyopathy. Last evaluated: 2024-09-24. Review status: criteria provided, single submitter. Criteria: Invitae Variant Classification Sherloc (09022015). Collection method: clinical testing. Allele origin: germline.
Comment: This sequence change replaces arginine, which is basic and polar, with cysteine, which is neutral and slightly polar, at codon 418 of the TXNRD2 protein (p.Arg418Cys). This variant is present in population databases (rs771161029, gnomAD 0.002%). This variant has not been reported in the literature in individuals affected with TXNRD2-related conditions. Invitae Evidence Modeling of protein sequence and biophysical properties (such as structural, functional, and spatial information, amino acid conservation, physicochemical variation, residue mobility, and thermodynamic stability) indicates that this missense variant is not expected to disrupt TXNRD2 protein function with a negative predictive value of 80%. In summary, the available evidence is currently insufficient to determine the role of this variant in disease. Therefore, it has been classified as a Variant of Uncertain Significance.

NM_006440.5(TXNRD2):c.1252C>T (p.Arg418Cys)

Gene: TXNRD2 (thioredoxin reductase 2; minus strand). Cytogenetic location: 22q11.21.
Variant type: single nucleotide variant.
Coding change: c.1252C>T on transcript NM_006440.5 (MANE Select); coding-DNA position 1252, C replaced by T.
Protein change: p.Arg418Cys; replaces arginine 418 with cysteine.
Molecular consequence: missense variant. On other transcripts: non-coding transcript variant (1).
Genome position (GRCh38, 1-based): chr22:19,880,202, G>A on the plus strand (C>T on the coding strand, the complement: TXNRD2 is on the minus strand). VCF-style: chr22-19880202-G-A. GRCh37 (hg19) VCF-style: chr22-19867725-G-A.
Other names: c.1249C>T, p.Arg417Cys (NM_001352300.2); c.1162C>T, p.Arg388Cys (NM_001352301.2); c.964C>T, p.Arg322Cys (NM_001352302.2); short protein forms R417C, R418C, R322C, R388C.
Identifiers: ClinVar variation 2891670 (VCV002891670.3), dbSNP rs771161029, ClinGen allele CA10103736.
Genomic context (GRCh38, chr22:19,880,202, plus strand): 5'-CGCCACTGTCCTCAGCTGTGCTGCTCCCAGGCCTCACCTCAACATGCTCCTGCCCGTGGC[G>A]AGCCACTGCCTCCTCCTCGGACAGCCCCACACAGCCATACTCCAGCGGGGTGAAGACGGT-3'
Protein context (NP_006431.2, residues 408-428): VGLSEEEAVA[Arg418Cys]HGQEHVEVYH